The following is an entry in ClinVar:

ClinVar aggregate classification (germline): Uncertain significance (1 of 4 stars; one submission).

Conditions:
Cardiovascular phenotype. Identifiers: MedGen CN230736.

Submission:

Ambry Genetics
Classification: Uncertain significance for Cardiovascular phenotype. Last evaluated: 2025-09-04. Review status: criteria provided, single submitter. Criteria: Ambry Variant Classification Scheme 2023. Collection method: clinical testing. Allele origin: germline.
Comment: The p.T528A variant (also known as c.1582A>G), located in coding exon 7 of the PKP2 gene, results from an A to G substitution at nucleotide position 1582. The threonine at codon 528 is replaced by alanine, an amino acid with similar properties. This amino acid position is conserved. In addition, the in silico prediction for this alteration is inconclusive. Based on the available evidence, the clinical significance of this variant remains unclear.

NM_001005242.3(PKP2):c.1450A>G (p.Thr484Ala)

Gene: PKP2 (plakophilin 2; minus strand). Cytogenetic location: 12p11.21.
Variant type: single nucleotide variant.
Coding change: c.1450A>G on transcript NM_001005242.3 (MANE Select); coding-DNA position 1450, A replaced by G.
Protein change: p.Thr484Ala; replaces threonine 484 with alanine.
Molecular consequence: missense variant.
Genome position (GRCh38, 1-based): chr12:32,841,134, T>C on the plus strand (A>G on the coding strand, the complement: PKP2 is on the minus strand). VCF-style: chr12-32841134-T-C. GRCh37 (hg19) VCF-style: chr12-32994068-T-C.
Other names: c.1450A>G, p.Thr484Ala (NM_001407155.1, NM_001407156.1, NM_001407161.1); c.1582A>G, p.Thr528Ala (NM_001407157.1, NM_004572.4); c.1123A>G, p.Thr375Ala (NM_001407158.1, NM_001407159.1, NM_001407160.1 and 1 more transcripts); short protein forms T484A, T375A, T528A.
Identifiers: ClinVar variation 4138107 (VCV004138107.1).